The following is an entry in ClinVar:

ClinVar aggregate classification (germline): Benign. Review status: criteria provided, multiple submitters, no conflicts (2 of 4 stars). 2 submissions from 2 submitters: Benign (2). Last evaluated 2025-11-03.

Submissions (2):

Dasa
Classification: Benign. Last evaluated: 2025-11-03. Review status: criteria provided, single submitter. Criteria: DASA Assertion Criteria. Collection method: clinical testing. Allele origin: germline.
Comment: NM_001365276.2(TNXB):c.12547G>A (p.Ala4183Thr) is a missense variant that results in the substitution of alanine with threonine. Population frequency is inconsistent with a disease-causing role for this variant. Therefore, based on the currently available evidence, this variant is classified as benign.

Mayo Clinic Laboratories, Mayo Clinic
Classification: Benign. Last evaluated: 2025-06-30. Review status: criteria provided, single submitter. Criteria: ACMG Guidelines, 2015. Collection method: clinical testing. Allele origin: germline. Observed: 150 variant alleles.
Comment: PP3

NM_001365276.2(TNXB):c.12547G>A (p.Ala4183Thr)

Genes: TNXB (tenascin XB; minus strand), LOC106780803 (tenascin XB recombination region; plus strand). Cytogenetic location: 6p21.33.
Variant type: single nucleotide variant.
Coding change: c.12547G>A on transcript NM_001365276.2 (MANE Select); coding-DNA position 12547, G replaced by A.
Protein change: p.Ala4183Thr; replaces alanine 4183 with threonine.
Molecular consequence: missense variant.
Genome position (GRCh38, 1-based): chr6:32,041,857, C>T on the plus strand (G>A on the coding strand, the complement: TNXB is on the minus strand). VCF-style: chr6-32041857-C-T. GRCh37 (hg19) VCF-style: chr6-32009634-C-T.
Other names: p.Ala4181Thr; c.12541G>A, p.Ala4181Thr (NM_019105.8); c.1834G>A, p.Ala612Thr (NM_032470.4); c.13288G>A, p.Ala4430Thr (NM_001428335.1); short protein forms A4181T, A4183T, A4430T, A612T.
Identifiers: ClinVar variation 4684926 (VCV004684926.3).